The following is an entry in ClinVar:

ClinVar aggregate classification (germline): Uncertain significance (1 of 4 stars; one submission).

Allele frequency attached by ClinVar (database versions not stated): gnomAD exomes below 0.00001; TOPMed below 0.00001.
gnomAD v4.1: 2 of 1,614,028 alleles (0.00012%); highest among the groups gnomAD compares: Non-Finnish European, 0.00017%; no homozygotes.

Submission:

Labcorp Genetics (formerly Invitae), Labcorp
Classification: Uncertain significance. Last evaluated: 2022-05-22. Review status: criteria provided, single submitter. Criteria: Invitae Variant Classification Sherloc (09022015). Collection method: clinical testing. Allele origin: germline.
Comment: In summary, the available evidence is currently insufficient to determine the role of this variant in disease. Therefore, it has been classified as a Variant of Uncertain Significance. This sequence change replaces serine, which is neutral and polar, with proline, which is neutral and non-polar, at codon 78 of the OTOA protein (p.Ser78Pro). This variant is not present in population databases (gnomAD no frequency). This missense change has been observed in individual(s) with deafness (Invitae). Algorithms developed to predict the effect of missense changes on protein structure and function are either unavailable or do not agree on the potential impact of this missense change (SIFT: "Tolerated"; PolyPhen-2: "Probably Damaging"; Align-GVGD: "Class C0").

NM_144672.4(OTOA):c.232T>C (p.Ser78Pro)

Gene: OTOA (otoancorin). Cytogenetic location: 16p12.2.
Variant type: single nucleotide variant.
Coding change: c.232T>C on transcript NM_144672.4 (MANE Select); coding-DNA position 232, T replaced by C.
Protein change: p.Ser78Pro; replaces serine 78 with proline.
Molecular consequence: missense variant.
Genome position (GRCh38, 1-based): chr16:21,681,790, T>C. VCF-style: chr16-21681790-T-C. GRCh37 (hg19) VCF-style: chr16-21693111-T-C.
Other names: short protein forms S78P.
Identifiers: ClinVar variation 1505417 (VCV001505417.6), dbSNP rs995856279, ClinGen allele CA279393646.
Genomic context (GRCh38, chr16:21,681,790, plus strand): 5'-AACTGAAGCTCCCACGTGTGGACGGATGACCTGTCCCACAGAGTCCTGGCCTATCTGAAT[T>C]CCCGGAATGTTGCCTTCACCATCCCCAGCCTGCAGGTGTGTACCTGAGACCCATCTATAT-3'
Protein context (NP_653273.3, residues 68-88): LSHRVLAYLN[Ser78Pro]RNVAFTIPSL